The following is an entry in ClinVar:

NM_053025.4(MYLK):c.3360G>T (p.Gln1120His)

Gene: MYLK (myosin light chain kinase; minus strand). Cytogenetic location: 3q21.1.
Variant type: single nucleotide variant.
Coding change: c.3360G>T on transcript NM_053025.4 (MANE Select); coding-DNA position 3360, G replaced by T.
Protein change: p.Gln1120His; replaces glutamine 1120 with histidine.
Molecular consequence: missense variant.
Genome position (GRCh38, 1-based): chr3:123,700,108, C>A on the plus strand (G>T on the coding strand, the complement: MYLK is on the minus strand). VCF-style: chr3-123700108-C-A. GRCh37 (hg19) VCF-style: chr3-123418955-C-A.
Other names: c.2832G>T, p.Gln944His (NM_001321309.2); c.3153G>T, p.Gln1051His (NM_053026.4, NM_053028.4); c.3360G>T, p.Gln1120His (NM_053027.4); short protein forms Q1051H, Q1120H, Q944H.
Identifiers: ClinVar variation 3622949 (VCV003622949.2).

ClinVar aggregate classification (germline): Uncertain significance (1 of 4 stars; one submission).

Conditions:
Aortic aneurysm, familial thoracic 7 (AAT7). Also called: AORTIC DISSECTION, FAMILIAL, WITH OR WITHOUT AORTIC ANEURYSM. Identifiers: MedGen C3151077, MONDO:0013418, OMIM 613780.

Submission:

Labcorp Genetics (formerly Invitae), Labcorp
Classification: Uncertain significance for Aortic aneurysm, familial thoracic 7. Last evaluated: 2025-12-08. Review status: criteria provided, single submitter. Criteria: Invitae Variant Classification Sherloc (09022015). Collection method: clinical testing. Allele origin: germline.
Comment: This sequence change replaces glutamine, which is neutral and polar, with histidine, which is basic and polar, at codon 1120 of the MYLK protein (p.Gln1120His). This variant is not present in population databases (gnomAD no frequency). This variant has not been reported in the literature in individuals affected with MYLK-related conditions. ClinVar contains an entry for this variant (Variation ID: 3622949). Invitae Evidence Modeling of protein sequence and biophysical properties (such as structural, functional, and spatial information, amino acid conservation, physicochemical variation, residue mobility, and thermodynamic stability) indicates that this missense variant is not expected to disrupt MYLK protein function with a negative predictive value of 80%. In summary, the available evidence is currently insufficient to determine the role of this variant in disease. Therefore, it has been classified as a Variant of Uncertain Significance.